The following is an entry in ClinVar:

NM_004186.5(SEMA3F):c.580C>T (p.Leu194Phe)

Gene: SEMA3F (semaphorin 3F; plus strand). Cytogenetic location: 3p21.31.
Variant type: single nucleotide variant.
Coding change: c.580C>T on transcript NM_004186.5 (MANE Select); coding-DNA position 580, C replaced by T.
Protein change: p.Leu194Phe; replaces leucine 194 with phenylalanine.
Molecular consequence: missense variant.
Genome position (GRCh38, 1-based): chr3:50,176,798, C>T. VCF-style: chr3-50176798-C-T. GRCh37 (hg19) VCF-style: chr3-50214231-C-T.
Other names: c.283C>T, p.Leu95Phe (NM_001318798.2); c.487C>T, p.Leu163Phe (NM_001318800.2); short protein forms L163F, L194F, L95F.
Identifiers: ClinVar variation 2636107 (VCV002636107.2), dbSNP rs539562353, ClinGen allele CA2411841.

ClinVar aggregate classification (germline): Uncertain significance (1 of 4 stars; one submission).

Conditions:
SEMA3F-related disorder. Also called: SEMA3F-related condition.

Allele frequency attached by ClinVar (database versions not stated): TOPMed below 0.00001; gnomAD exomes 0.00005; gnomAD 0.00007; ExAC 0.00012; 1000 Genomes Project 30x 0.00062; 1000 Genomes Project 0.00080.
gnomAD v4.1: 82 of 1,613,662 alleles (0.0051%); highest among the groups gnomAD compares: South Asian, 0.074%; 1 homozygote.

Submission:

PreventionGenetics, part of Exact Sciences
Classification: Uncertain significance for SEMA3F-related condition. Last evaluated: 2026-06-11. Review status: criteria provided, single submitter. Criteria: ACMG Guidelines, 2015. Collection method: clinical testing. Allele origin: germline.
Comment: The SEMA3F c.580C>T variant is predicted to result in the amino acid substitution p.Leu194Phe. To our knowledge, this variant has not been reported in the literature. This variant is reported in 0.091% of alleles in individuals of South Asian descent in gnomAD, which is likely too frequent for a disease-causing variant. Although we suspect that this variant may be benign, at this time, the clinical significance of this variant is uncertain due to the absence of conclusive functional and genetic evidence.